The following is an entry in ClinVar:

ClinVar aggregate classification (germline): Uncertain significance (1 of 4 stars; one submission).

Allele frequency attached by ClinVar (database versions not stated): TOPMed 0.00002; gnomAD 0.00013 and 0.00015; ExAC 0.00026.
gnomAD v4.1: 162 of 1,614,134 alleles (0.01%); highest among the groups gnomAD compares: East Asian, 0.016%; no homozygotes.

Submission:

Labcorp Genetics (formerly Invitae), Labcorp
Classification: Uncertain significance. Last evaluated: 2024-10-30. Review status: criteria provided, single submitter. Criteria: Invitae Variant Classification Sherloc (09022015). Collection method: clinical testing. Allele origin: germline.
Comment: This sequence change replaces arginine, which is basic and polar, with threonine, which is neutral and polar, at codon 420 of the MCM5 protein (p.Arg420Thr). This variant is present in population databases (rs200883424, gnomAD 0.05%). This variant has not been reported in the literature in individuals affected with MCM5-related conditions. ClinVar contains an entry for this variant (Variation ID: 1415564). Invitae Evidence Modeling of protein sequence and biophysical properties (such as structural, functional, and spatial information, amino acid conservation, physicochemical variation, residue mobility, and thermodynamic stability) has been performed for this missense variant. However, the output from this modeling did not meet the statistical confidence thresholds required to predict the impact of this variant on MCM5 protein function. In summary, the available evidence is currently insufficient to determine the role of this variant in disease. Therefore, it has been classified as a Variant of Uncertain Significance.

NM_006739.4(MCM5):c.1259G>C (p.Arg420Thr)

Gene: MCM5 (minichromosome maintenance complex component 5; plus strand). Cytogenetic location: 22q12.3.
Variant type: single nucleotide variant.
Coding change: c.1259G>C on transcript NM_006739.4 (MANE Select); coding-DNA position 1259, G replaced by C.
Protein change: p.Arg420Thr; replaces arginine 420 with threonine.
Molecular consequence: missense variant.
Genome position (GRCh38, 1-based): chr22:35,415,884, G>C. VCF-style: chr22-35415884-G-C. GRCh37 (hg19) VCF-style: chr22-35811877-G-C.
Other names: short protein forms R420T.
Identifiers: ClinVar variation 1415564 (VCV001415564.6), dbSNP rs200883424, ClinGen allele CA10205313.